The following is an entry in ClinVar:

ClinVar aggregate classification (germline): Benign. Review status: criteria provided, multiple submitters, no conflicts (2 of 4 stars). 2 submissions from 2 submitters: Benign (2). Last evaluated 2018-06-19.

Allele frequency attached by ClinVar (database versions not stated): gnomAD exomes 0.13198; 1000 Genomes Project 0.18011; gnomAD 0.18211 and 0.18678; TOPMed 0.18808; 1000 Genomes Project 30x 0.19082.
gnomAD v4.1: 168,664 of 1,216,844 alleles (14%); highest among the groups gnomAD compares: African/African-American, 32%; 13,089 homozygotes.

Submissions (2):

GeneDx
Classification: Benign. Last evaluated: 2018-06-19. Review status: criteria provided, single submitter. Criteria: GeneDx Variant Classification (06012015). Collection method: clinical testing. Allele origin: germline. Affected: yes.
Comment: This variant is considered likely benign or benign based on one or more of the following criteria: it is a conservative change, it occurs at a poorly conserved position in the protein, it is predicted to be benign by multiple in silico algorithms, and/or has population frequency not consistent with disease.

Breakthrough Genomics
Classification: Benign. Review status: criteria provided, single submitter. Criteria: ACMG Guidelines, 2015. Collection method: not provided. Allele origin: germline. Inheritance: Autosomal recessive inheritance. Affected: yes.

NM_003283.6(TNNT1):c.47-147A>G

Gene: TNNT1 (troponin T1, slow skeletal type; minus strand). Cytogenetic location: 19q13.42.
Variant type: single nucleotide variant.
Coding change: c.47-147A>G on transcript NM_003283.6 (MANE Select); 147 bases into the intron before coding-DNA position 47, A replaced by G.
Molecular consequence: intron variant.
Genome position (GRCh38, 1-based): chr19:55,146,854, T>C on the plus strand (A>G on the coding strand, the complement: TNNT1 is on the minus strand). VCF-style: chr19-55146854-T-C. GRCh37 (hg19) VCF-style: chr19-55658222-T-C.
Other names: c.47-147A>G (NM_001126133.3, NM_001126132.3, NM_001291774.2).
Identifiers: ClinVar variation 670750 (VCV000670750.2), dbSNP rs11550309, ClinGen allele CA310139910.